The following is an entry in ClinVar:

NM_016203.4(PRKAG2):c.4G>A (p.Gly2Arg)

Gene: PRKAG2 (protein kinase AMP-activated non-catalytic subunit gamma 2; minus strand). Cytogenetic location: 7q36.1.
Variant type: single nucleotide variant.
Coding change: c.4G>A on transcript NM_016203.4 (MANE Select); coding-DNA position 4, G replaced by A.
Protein change: p.Gly2Arg; replaces glycine 2 with arginine.
Molecular consequence: missense variant.
Genome position (GRCh38, 1-based): chr7:151,876,617, C>T on the plus strand (G>A on the coding strand, the complement: PRKAG2 is on the minus strand). VCF-style: chr7-151876617-C-T. GRCh37 (hg19) VCF-style: chr7-151573702-C-T.
Other names: c.4G>A, p.Gly2Arg (NM_001407021.1, NM_001407022.1, NM_001407023.1 and 2 more transcripts); short protein forms G2R.
Identifiers: ClinVar variation 1744703 (VCV001744703.4), dbSNP rs2485880132, ClinGen allele CA370072073.
Genomic context (GRCh38, chr7:151,876,617, plus strand): 5'-CGCCGCTCCCGCCGGGGCTGGAAACATCTTTTTTCTTCTTGGTGTCCATAACCGCGCTTC[C>T]CATAACTCTAACCAGAAGTTGATTCTGCGAAACTCCTCGGGGGTTCGGTCCCCTCCTTCC-3'
Protein context (NP_057287.2, residues 1-12): M[Gly2Arg]SAVMDTKKKK

ClinVar aggregate classification (germline): Uncertain significance. Review status: criteria provided, multiple submitters, no conflicts (2 of 4 stars). 2 submissions from 2 submitters: Uncertain significance (2). Last evaluated 2024-06-04.

Conditions:
Cardiovascular phenotype. Identifiers: MedGen CN230736.
Lethal congenital glycogen storage disease of heart. Also called: GLYCOGEN STORAGE DISEASE OF HEART; PHOSPHORYLASE KINASE DEFICIENCY OF HEART. Identifiers: Orphanet 439854, MedGen C1849813, MONDO:0009867, OMIM 261740.

Submissions (2):

Labcorp Genetics (formerly Invitae), Labcorp
Classification: Uncertain significance for Lethal congenital glycogen storage disease of heart. Last evaluated: 2024-06-04. Review status: criteria provided, single submitter. Criteria: Invitae Variant Classification Sherloc (09022015). Collection method: clinical testing. Allele origin: germline.
Comment: This sequence change replaces glycine, which is neutral and non-polar, with arginine, which is basic and polar, at codon 2 of the PRKAG2 protein (p.Gly2Arg). This variant is not present in population databases (gnomAD no frequency). This variant has not been reported in the literature in individuals affected with PRKAG2-related conditions. ClinVar contains an entry for this variant (Variation ID: 1744703). Advanced modeling of protein sequence and biophysical properties (such as structural, functional, and spatial information, amino acid conservation, physicochemical variation, residue mobility, and thermodynamic stability) performed at Invitae indicates that this missense variant is not expected to disrupt PRKAG2 protein function with a negative predictive value of 95%. In summary, the available evidence is currently insufficient to determine the role of this variant in disease. Therefore, it has been classified as a Variant of Uncertain Significance.

Ambry Genetics
Classification: Uncertain significance for Cardiovascular phenotype. Last evaluated: 2020-05-14. Review status: criteria provided, single submitter. Criteria: Ambry Variant Classification Scheme 2023. Collection method: clinical testing. Allele origin: germline.
Comment: The p.G2R variant (also known as c.4G>A), located in coding exon 1 of the PRKAG2 gene, results from a G to A substitution at nucleotide position 4. The glycine at codon 2 is replaced by arginine, an amino acid with dissimilar properties. This amino acid position is highly conserved in available vertebrate species. In addition, the in silico prediction for this alteration is inconclusive. Since supporting evidence is limited at this time, the clinical significance of this alteration remains unclear.